The following is an entry in ClinVar:

ClinVar aggregate classification (germline): Uncertain significance (1 of 4 stars; one submission).

Conditions:
Neurofibromatosis, type 1 (NF1). Also called: Peripheral type neurofibromatosis; Neurofibromatosis, type I; VON RECKLINGHAUSEN DISEASE; NEUROFIBROMATOSIS, TYPE I, SOMATIC. Identifiers: Orphanet 636, MedGen C0027831, MONDO:0018975, OMIM 162200. Disease mechanism: loss of function.

Submission:

Labcorp Genetics (formerly Invitae), Labcorp
Classification: Uncertain significance for Neurofibromatosis, type 1. Last evaluated: 2020-06-22. Review status: criteria provided, single submitter. Criteria: Invitae Variant Classification Sherloc (09022015). Collection method: clinical testing. Allele origin: germline.
Comment: In summary, the available evidence is currently insufficient to determine the role of this variant in disease. Therefore, it has been classified as a Variant of Uncertain Significance. Algorithms developed to predict the effect of missense changes on protein structure and function are either unavailable or do not agree on the potential impact of this missense change (SIFT: "Deleterious"; PolyPhen-2: "Probably Damaging"; Align-GVGD: "Class C0"). This variant has not been reported in the literature in individuals with NF1-related conditions. This variant is not present in population databases (ExAC no frequency). This sequence change replaces tryptophan with arginine at codon 1641 of the NF1 protein (p.Trp1641Arg). The tryptophan residue is moderately conserved and there is a moderate physicochemical difference between tryptophan and arginine.

NM_001042492.3(NF1):c.4984T>A (p.Trp1662Arg)

Gene: NF1 (neurofibromin 1; plus strand). Cytogenetic location: 17q11.2.
Variant type: single nucleotide variant.
Coding change: c.4984T>A on transcript NM_001042492.3 (MANE Select); coding-DNA position 4984, T replaced by A.
Protein change: p.Trp1662Arg; replaces tryptophan 1662 with arginine.
Molecular consequence: missense variant.
Genome position (GRCh38, 1-based): chr17:31,325,968, T>A. VCF-style: chr17-31325968-T-A. GRCh37 (hg19) VCF-style: chr17-29652986-T-A.
Other names: c.4921T>A, p.Trp1641Arg (NM_000267.4); short protein forms W1641R, W1662R.
Identifiers: ClinVar variation 1054633 (VCV001054633.5), dbSNP rs1555533328, ClinGen allele CA399007250.
Genomic context (GRCh38, chr17:31,325,968, plus strand): 5'-GTAGTGGACCTTACCCATACCGGGCCTAGCAATCGCTTTAAAACAGACTTTCTCTCTAAG[T>A]GGTTTGTTGTTTTTCCTGGCTTTGCTTACGACAACGTCTCCGCAGTCTATATCTATAACT-3'
Protein context (NP_001035957.1, residues 1652-1672): NRFKTDFLSK[Trp1662Arg]FVVFPGFAYD